The following is an entry in ClinVar:

ClinVar aggregate classification (germline): Uncertain significance. Review status: criteria provided, multiple submitters, no conflicts (2 of 4 stars). 2 submissions from 2 submitters: Uncertain significance (2). Last evaluated 2026-09-25.

Conditions:
Nephronophthisis. Also called: Juvenile Nephronophthisis. Identifiers: Orphanet 655, MedGen C0687120, MONDO:0019005, HP:0000090.
NPHP1-related disorder. Also called: NPHP1-related disorders; NPHP1-related condition.

Allele frequency attached by ClinVar (database versions not stated): gnomAD exomes below 0.00001; TOPMed below 0.00001; ExAC 0.00001.
gnomAD v4.1: 7 of 1,612,960 alleles (0.00043%); highest among the groups gnomAD compares: Non-Finnish European, 0.00025%; no homozygotes.

Submissions (2):

PreventionGenetics, part of Exact Sciences
Classification: Uncertain significance for NPHP1-related condition. Last evaluated: 2026-09-25. Review status: criteria provided, single submitter. Criteria: ACMG Guidelines, 2015. Collection method: clinical testing. Allele origin: germline.
Comment: The NPHP1 c.1217G>A variant is predicted to result in the amino acid substitution p.Arg406Lys. To our knowledge, this variant has not been reported in the literature. This variant is reported in 0.0099% of alleles in individuals of Ashkenazi Jewish descent in gnomAD. At this time, the clinical significance of this variant is uncertain due to the absence of conclusive functional and genetic evidence.

Labcorp Genetics (formerly Invitae), Labcorp
Classification: Uncertain significance for Nephronophthisis. Last evaluated: 2020-02-22. Review status: criteria provided, single submitter. Criteria: Invitae Variant Classification Sherloc (09022015). Collection method: clinical testing. Allele origin: germline.
Comment: This sequence change replaces arginine with lysine at codon 406 of the NPHP1 protein (p.Arg406Lys). The arginine residue is highly conserved and there is a small physicochemical difference between arginine and lysine. This variant is present in population databases (rs754768821, ExAC 0.001%). This variant has not been reported in the literature in individuals with NPHP1-related conditions. Algorithms developed to predict the effect of missense changes on protein structure and function are either unavailable or do not agree on the potential impact of this missense change (SIFT: "Tolerated"; PolyPhen-2: "Possibly Damaging"; Align-GVGD: "Class C0"). In summary, the available evidence is currently insufficient to determine the role of this variant in disease. Therefore, it has been classified as a Variant of Uncertain Significance.

NM_001128178.3(NPHP1):c.1049G>A (p.Arg350Lys)

Gene: NPHP1 (nephrocystin 1; minus strand). Cytogenetic location: 2q13.
Variant type: single nucleotide variant.
Coding change: c.1049G>A on transcript NM_001128178.3 (MANE Select); coding-DNA position 1049, G replaced by A.
Protein change: p.Arg350Lys; replaces arginine 350 with lysine.
Molecular consequence: missense variant.
Genome position (GRCh38, 1-based): chr2:110,160,161, C>T on the plus strand (G>A on the coding strand, the complement: NPHP1 is on the minus strand). VCF-style: chr2-110160161-C-T. GRCh37 (hg19) VCF-style: chr2-110917738-C-T.
Other names: c.1217G>A, p.Arg406Lys (NM_000272.5); c.860G>A, p.Arg287Lys (NM_001128179.3); c.1046G>A, p.Arg349Lys (NM_001374256.1); c.1049G>A, p.Arg350Lys (NM_001374257.1); c.1214G>A, p.Arg405Lys (NM_207181.4); short protein forms R287K, R405K, R349K, R406K, R350K.
Identifiers: ClinVar variation 968582 (VCV000968582.10), dbSNP rs754768821, ClinGen allele CA1827142.